The following is an entry in ClinVar:

NM_001164665.2(KIAA1549):c.1891C>G (p.Pro631Ala)

Gene: KIAA1549 (KIAA1549; minus strand). Cytogenetic location: 7q34.
Variant type: single nucleotide variant.
Coding change: c.1891C>G on transcript NM_001164665.2 (MANE Select); coding-DNA position 1891, C replaced by G.
Protein change: p.Pro631Ala; replaces proline 631 with alanine.
Molecular consequence: missense variant.
Genome position (GRCh38, 1-based): chr7:138,917,735, G>C on the plus strand (C>G on the coding strand, the complement: KIAA1549 is on the minus strand). VCF-style: chr7-138917735-G-C. GRCh37 (hg19) VCF-style: chr7-138602481-G-C.
Other names: c.1891C>G, p.Pro631Ala (NM_020910.3); short protein forms P631A.
Identifiers: ClinVar variation 1996898 (VCV001996898.4), dbSNP rs1267468907, ClinGen allele CA369396101.

ClinVar aggregate classification (germline): Uncertain significance (1 of 4 stars; one submission).

Allele frequency attached by ClinVar (database versions not stated): gnomAD 0.00001.
gnomAD v4.1: 3 of 1,588,852 alleles (0.00019%); highest among the groups gnomAD compares: Non-Finnish European, 0.00026%; no homozygotes.

Submission:

Labcorp Genetics (formerly Invitae), Labcorp
Classification: Uncertain significance. Last evaluated: 2024-01-22. Review status: criteria provided, single submitter. Criteria: Invitae Variant Classification Sherloc (09022015). Collection method: clinical testing. Allele origin: germline.
Comment: This sequence change replaces proline, which is neutral and non-polar, with alanine, which is neutral and non-polar, at codon 631 of the KIAA1549 protein (p.Pro631Ala). This variant is present in population databases (no rsID available, gnomAD 0.001%). This variant has not been reported in the literature in individuals affected with KIAA1549-related conditions. ClinVar contains an entry for this variant (Variation ID: 1996898). An algorithm developed to predict the effect of missense changes on protein structure and function (PolyPhen-2) suggests that this variant is likely to be tolerated. In summary, the available evidence is currently insufficient to determine the role of this variant in disease. Therefore, it has been classified as a Variant of Uncertain Significance.